The following is an entry in ClinVar:

NM_004329.3(BMPR1A):c.1346T>C (p.Ile449Thr)

Gene: BMPR1A (bone morphogenetic protein receptor type 1A; plus strand). Cytogenetic location: 10q23.2.
Variant type: single nucleotide variant.
Coding change: c.1346T>C on transcript NM_004329.3 (MANE Select); coding-DNA position 1346, T replaced by C.
Protein change: p.Ile449Thr; replaces isoleucine 449 with threonine.
Molecular consequence: missense variant.
Genome position (GRCh38, 1-based): chr10:86,923,379, T>C. VCF-style: chr10-86923379-T-C. GRCh37 (hg19) VCF-style: chr10-88683136-T-C.
Other names: short protein forms I449T.
Identifiers: ClinVar variation 141621 (VCV000141621.20), dbSNP rs587781884, ClinGen allele CA165960.

ClinVar aggregate classification (germline): Uncertain significance. Review status: criteria provided, multiple submitters, no conflicts (2 of 4 stars). 4 submissions from 4 submitters: Uncertain significance (4). Last evaluated 2025-08-02.

Conditions:
Juvenile polyposis syndrome (JPS). Identifiers: Orphanet 2929, MedGen C0345893, MONDO:0017380, OMIM 174900.
Hereditary cancer-predisposing syndrome. Also called: Neoplastic Syndromes, Hereditary; Hereditary Cancer Syndrome; Hereditary neoplastic syndrome; Tumor predisposition. Identifiers: Orphanet 140162, MedGen C0027672, MeSH D009386, MONDO:0015356.
Polyposis syndrome, hereditary mixed, 2. Identifiers: Orphanet 157794, MedGen C1864730, MONDO:0012405, OMIM 610069.

gnomAD v4.1: 1 of 1,614,112 alleles (0.000062%); highest among the groups gnomAD compares: Non-Finnish European, 0.000085%; no homozygotes.

Submissions (4):

Labcorp Genetics (formerly Invitae), Labcorp
Classification: Uncertain significance for Juvenile polyposis syndrome. Last evaluated: 2025-08-02. Review status: criteria provided, single submitter. Criteria: Invitae Variant Classification Sherloc (09022015). Collection method: clinical testing. Allele origin: germline.
Comment: This sequence change replaces isoleucine, which is neutral and non-polar, with threonine, which is neutral and polar, at codon 449 of the BMPR1A protein (p.Ile449Thr). This variant is not present in population databases (gnomAD no frequency). This variant has not been reported in the literature in individuals affected with BMPR1A-related conditions. ClinVar contains an entry for this variant (Variation ID: 141621). Invitae Evidence Modeling incorporating data from in vitro experimental studies (internal data) indicates that this missense variant is not expected to disrupt BMPR1A function with a negative predictive value of 95%. In summary, the available evidence is currently insufficient to determine the role of this variant in disease. Therefore, it has been classified as a Variant of Uncertain Significance.

Baylor Genetics
Classification: Uncertain significance for Polyposis syndrome, hereditary mixed, 2. Last evaluated: 2024-03-24. Review status: criteria provided, single submitter. Criteria: ACMG Guidelines, 2015. Collection method: clinical testing. Allele origin: unknown.

Ambry Genetics
Classification: Uncertain significance for Hereditary cancer-predisposing syndrome. Last evaluated: 2024-02-13. Review status: criteria provided, single submitter. Criteria: Ambry Variant Classification Scheme 2023. Collection method: clinical testing. Allele origin: germline.
Comment: The p.I449T variant (also known as c.1346T>C), located in coding exon 10 of the BMPR1A gene, results from a T to C substitution at nucleotide position 1346. The isoleucine at codon 449 is replaced by threonine, an amino acid with similar properties. This amino acid position is well conserved in available vertebrate species. In addition, the in silico prediction for this alteration is inconclusive. Based on the available evidence, the clinical significance of this alteration remains unclear.

Color Diagnostics, LLC DBA Color Health
Classification: Uncertain significance for Hereditary cancer-predisposing syndrome. Last evaluated: 2023-12-05. Review status: criteria provided, single submitter. Criteria: ACMG Guidelines, 2015. Collection method: clinical testing. Allele origin: germline.
Comment: This missense variant replaces isoleucine with threonine at codon 449 of the BMPR1A protein. Computational prediction is inconclusive regarding the impact of this variant on protein structure and function (internally defined REVEL score threshold 0.5 < inconclusive < 0.7, PMID: 27666373). To our knowledge, functional studies have not been reported for this variant. This variant has not been reported in individuals affected with BMPR1A-related disorders in the literature. This variant has not been identified in the general population by the Genome Aggregation Database (gnomAD). The available evidence is insufficient to determine the role of this variant in disease conclusively. Therefore, this variant is classified as a Variant of Uncertain Significance.